The following is an entry in ClinVar:

ClinVar aggregate classification (germline): Uncertain significance. Review status: criteria provided, multiple submitters, no conflicts (2 of 4 stars). 2 submissions from 2 submitters: Uncertain significance (2). Last evaluated 2026-05-12.

Conditions:
Early-infantile DEE. Also called: Ohtahara syndrome; Early infantile epileptic encephalopathy; Early infantile epileptic encephalopathy with suppression bursts. Identifiers: Orphanet 1934, MedGen C0393706, MONDO:0800491.
Inborn genetic diseases. Identifiers: MedGen C0950123, MeSH D030342.

Submissions (2):

Ambry Genetics
Classification: Uncertain significance for Inborn genetic diseases. Last evaluated: 2026-05-12. Review status: criteria provided, single submitter. Criteria: Ambry Variant Classification Scheme 2023. Collection method: clinical testing. Allele origin: germline.

Labcorp Genetics (formerly Invitae), Labcorp
Classification: Uncertain significance for Early-infantile DEE. Last evaluated: 2020-07-21. Review status: criteria provided, single submitter. Criteria: Invitae Variant Classification Sherloc (09022015). Collection method: clinical testing. Allele origin: germline.
Comment: In summary, the available evidence is currently insufficient to determine the role of this variant in disease. Therefore, it has been classified as a Variant of Uncertain Significance. Algorithms developed to predict the effect of missense changes on protein structure and function are either unavailable or do not agree on the potential impact of this missense change (SIFT: "Deleterious"; PolyPhen-2: "Benign"; Align-GVGD: "Class C25"). This variant has not been reported in the literature in individuals with SPTAN1-related conditions. This variant is not present in population databases (ExAC no frequency). This sequence change replaces isoleucine with valine at codon 755 of the SPTAN1 protein (p.Ile755Val). The isoleucine residue is highly conserved and there is a small physicochemical difference between isoleucine and valine.

NM_001130438.3(SPTAN1):c.2263A>G (p.Ile755Val)

Gene: SPTAN1 (spectrin alpha, non-erythrocytic 1; plus strand). Cytogenetic location: 9q34.11.
Variant type: single nucleotide variant.
Coding change: c.2263A>G on transcript NM_001130438.3 (MANE Select); coding-DNA position 2263, A replaced by G.
Protein change: p.Ile755Val; replaces isoleucine 755 with valine.
Molecular consequence: missense variant.
Genome position (GRCh38, 1-based): chr9:128,584,351, A>G. VCF-style: chr9-128584351-A-G. GRCh37 (hg19) VCF-style: chr9-131346630-A-G.
Other names: c.2263A>G (NM_001130438.2); c.2263A>G, p.Ile755Val (NM_001195532.2, NM_001363759.2, NM_001363765.2 and 5 more transcripts); c.2299A>G, p.Ile767Val (NM_001375312.2, NM_001375318.1); short protein forms I755V, I767V.
Identifiers: ClinVar variation 1036535 (VCV001036535.10), dbSNP rs1852306066, ClinGen allele CA375057242.
Genomic context (GRCh38, chr9:128,584,351, plus strand): 5'-GATGGCATCACCATTCAGGCCCGCCAGTTCCAAGATGCTGGCCATTTTGATGCAGAAAAC[A>G]TCAAGAAGAAACAGGAAGCCCTCGTGGCTCGCTATGAGGCACTCAAGGAGCCCATGGTTG-3'
Protein context (NP_001123910.1, residues 745-765): QDAGHFDAEN[Ile755Val]KKKQEALVAR